The following is an entry in ClinVar:

NM_015480.3(NECTIN3):c.957C>T (p.Asp319=)

Gene: NECTIN3 (nectin cell adhesion molecule 3; plus strand). Cytogenetic location: 3q13.13.
Variant type: single nucleotide variant.
Coding change: c.957C>T on transcript NM_015480.3 (MANE Select); coding-DNA position 957, C replaced by T.
Protein change: p.Asp319=; no amino-acid change (aspartic acid 319 retained).
Molecular consequence: synonymous variant.
Genome position (GRCh38, 1-based): chr3:111,126,223, C>T. VCF-style: chr3-111126223-C-T. GRCh37 (hg19) VCF-style: chr3-110845070-C-T.
Other names: c.957C>T, p.Asp319= (NM_001243286.2); c.888C>T, p.Asp296= (NM_001243288.2).
Identifiers: ClinVar variation 3038007 (VCV003038007.2), dbSNP rs143896077, ClinGen allele CA2533858.
Genomic context (GRCh38, chr3:111,126,223, plus strand): 5'-TTTATGCATTTTAAAATCTAGGTTGGATGGACAATGGCCTGATGGTTTATTGGCTTCAGA[C>T]AATACTCTTCATTTTGTCCATCCATTGACTTTCAATTATTCTGGTGTTTATATCTGTAAA-3'
Protein context (NP_056295.1, residues 309-329): GQWPDGLLAS[Asp319=]NTLHFVHPLT

ClinVar aggregate classification (germline): Likely benign (0 of 4 stars; one submission).

Conditions:
NECTIN3-related disorder. Also called: NECTIN3-related condition.

Allele frequency attached by ClinVar (database versions not stated): 1000 Genomes Project 30x 0.00016; ESP Exome Variant Server 0.00123; TOPMed 0.00136; gnomAD 0.00188; ExAC 0.00193; gnomAD exomes 0.00225.
gnomAD v4.1: 3,517 of 1,608,054 alleles (0.22%); highest among the groups gnomAD compares: Non-Finnish European, 0.26%; 7 homozygotes.

Submission:

PreventionGenetics, part of Exact Sciences
Classification: Likely benign for NECTIN3-related condition. Last evaluated: 2019-11-13. Review status: no assertion criteria provided. Collection method: clinical testing. Allele origin: germline.
Comment: This variant is classified as likely benign based on ACMG/AMP sequence variant interpretation guidelines (Richards et al. 2015 PMID: 25741868, with internal and published modifications).